The following is an entry in ClinVar:

NM_001005242.3(PKP2):c.1813G>C (p.Gly605Arg)

Gene: PKP2 (plakophilin 2; minus strand). Cytogenetic location: 12p11.21.
Variant type: single nucleotide variant.
Coding change: c.1813G>C on transcript NM_001005242.3 (MANE Select); coding-DNA position 1813, G replaced by C.
Protein change: p.Gly605Arg; replaces glycine 605 with arginine.
Molecular consequence: missense variant.
Genome position (GRCh38, 1-based): chr12:32,822,493, C>G on the plus strand (G>C on the coding strand, the complement: PKP2 is on the minus strand). VCF-style: chr12-32822493-C-G. GRCh37 (hg19) VCF-style: chr12-32975427-C-G.
Other names: c.1945G>C, p.Gly649Arg (NM_004572.4); short protein forms G605R, G649R.
Identifiers: ClinVar variation 921566 (VCV000921566.4), dbSNP rs1956389925, ClinGen allele CA384362695.
Genomic context (GRCh38, chr12:32,822,493, plus strand): 5'-CCTTTCTCATTCTTTCAAAAACTTCCCAATATACCTCTTTTACTTTCCTGCTTCGACTGC[C>G]AAAACATCCAATACTTTTGTTGTTGTCAGTCTGGATATTCCGGTTTTGAATATAGATATT-3'
Protein context (NP_001005242.2, residues 595-615): TDNNKSIGCF[Gly605Arg]SRSRKVKEQY

ClinVar aggregate classification (germline): Uncertain significance (1 of 4 stars; one submission).

Conditions:
Cardiomyopathy (CMYO). Also called: Cardiomyopathies. Identifiers: Orphanet 167848, MedGen C0878544, MONDO:0004994, HP:0001638. Inheritance: Various modes of inheritance.

Submission:

Color Diagnostics, LLC DBA Color Health
Classification: Uncertain significance for Cardiomyopathy. Last evaluated: 2024-03-06. Review status: criteria provided, single submitter. Criteria: ACMG Guidelines, 2015. Collection method: clinical testing. Allele origin: germline.
Comment: This missense variant replaces glycine with arginine at codon 649 of the PKP2 protein. Computational prediction suggests that this variant may have deleterious impact on protein structure and function (internally defined REVEL score threshold >= 0.7, PMID: 27666373). To our knowledge, functional studies have not been reported for this variant. This variant has not been reported in individuals affected with cardiovascular disorders in the literature. This variant has not been identified in the general population by the Genome Aggregation Database (gnomAD). The available evidence is insufficient to determine the role of this variant in disease conclusively. Therefore, this variant is classified as a Variant of Uncertain Significance.